The following is an entry in ClinVar:

ClinVar aggregate classification (germline): Uncertain significance (1 of 4 stars; one submission).

Submission:

GeneDx
Classification: Uncertain significance. Last evaluated: 2023-12-08. Review status: criteria provided, single submitter. Criteria: GeneDx Variant Classification Process June 2021. Collection method: clinical testing. Allele origin: germline. Affected: yes.
Comment: Not observed at significant frequency in large population cohorts (gnomAD); In silico analysis supports that this missense variant has a deleterious effect on protein structure/function; Has not been previously published as pathogenic or benign to our knowledge

NM_001271.4(CHD2):c.1691A>G (p.Tyr564Cys)

Gene: CHD2 (chromodomain helicase DNA binding protein 2; plus strand). Cytogenetic location: 15q26.1.
Variant type: single nucleotide variant.
Coding change: c.1691A>G on transcript NM_001271.4 (MANE Select); coding-DNA position 1691, A replaced by G.
Protein change: p.Tyr564Cys; replaces tyrosine 564 with cysteine.
Molecular consequence: missense variant.
Genome position (GRCh38, 1-based): chr15:92,953,545, A>G. VCF-style: chr15-92953545-A-G. GRCh37 (hg19) VCF-style: chr15-93496775-A-G.
Other names: short protein forms Y564C.
Identifiers: ClinVar variation 3252511 (VCV003252511.1), dbSNP rs2141811685.